The following is an entry in ClinVar:

NM_001283009.2(RTEL1):c.3672C>G (p.Asp1224Glu)

Genes: RTEL1 (regulator of telomere elongation helicase 1; plus strand), RTEL1-TNFRSF6B (RTEL1-TNFRSF6B readthrough (NMD candidate); plus strand). Cytogenetic location: 20q13.33.
Variant type: single nucleotide variant.
Coding change: c.3672C>G on transcript NM_001283009.2 (MANE Select); coding-DNA position 3672, C replaced by G.
Protein change: p.Asp1224Glu; replaces aspartic acid 1224 with glutamic acid.
Molecular consequence: missense variant. On other transcripts: non-coding transcript variant (1), intron variant (3).
Genome position (GRCh38, 1-based): chr20:63,695,500, C>G. VCF-style: chr20-63695500-C-G. GRCh37 (hg19) VCF-style: chr20-62326853-C-G.
Other names: c.2983+20C>G (NM_001283010.1); c.3724+20C>G (NM_032957.5); c.3652+20C>G (NM_016434.4); short protein forms D1224E.
Identifiers: ClinVar variation 970917 (VCV000970917.11), dbSNP rs779295227, ClinGen allele CA9966151.

ClinVar aggregate classification (germline): Uncertain significance. Review status: criteria provided, multiple submitters, no conflicts (2 of 4 stars). 3 submissions from 3 submitters: Uncertain significance (3). Last evaluated 2026-03-22.

Conditions:
Inborn genetic diseases. Identifiers: MedGen C0950123, MeSH D030342.
Pulmonary fibrosis and/or bone marrow failure, Telomere-related, 3. Also called: PULMONARY FIBROSIS AND/OR BONE MARROW FAILURE SYNDROME, TELOMERE-RELATED, 3. Identifiers: Orphanet 2032, MedGen C4225346, MONDO:0014613, OMIM 616373.
Dyskeratosis congenita, autosomal recessive 5 (DKCB5). Identifiers: MedGen C3554656, MONDO:0014076, OMIM 615190.

Allele frequency attached by ClinVar (database versions not stated): gnomAD exomes 0.00001; ExAC 0.00002.
gnomAD v4.1: 1 of 1,610,876 alleles (0.000062%); highest among the groups gnomAD compares: South Asian, 0.0011%; no homozygotes.

Submissions (3):

Ambry Genetics
Classification: Uncertain significance for Inborn genetic diseases. Last evaluated: 2026-03-22. Review status: criteria provided, single submitter. Criteria: Ambry Variant Classification Scheme 2023. Collection method: clinical testing. Allele origin: germline.
Comment: The p.D1224E variant (also known as c.3672C>G), located in coding exon 33 of the RTEL1 gene, results from a C to G substitution at nucleotide position 3672. The aspartic acid at codon 1224 is replaced by glutamic acid, an amino acid with highly similar properties. This amino acid position is conserved. In addition, this alteration is predicted to be tolerated by in silico analysis. Based on the available evidence, the clinical significance of this variant remains unclear.

Labcorp Genetics (formerly Invitae), Labcorp
Classification: Uncertain significance for Dyskeratosis congenita, autosomal recessive 5; Pulmonary fibrosis and/or bone marrow failure, Telomere-related, 3. Last evaluated: 2024-07-08. Review status: criteria provided, single submitter. Criteria: Invitae Variant Classification Sherloc (09022015). Collection method: clinical testing. Allele origin: germline.
Comment: This sequence change replaces aspartic acid, which is acidic and polar, with glutamic acid, which is acidic and polar, at codon 1224 of the RTEL1 protein (p.Asp1224Glu). This variant is present in population databases (rs779295227, gnomAD 0.003%). This variant has not been reported in the literature in individuals affected with RTEL1-related conditions. ClinVar contains an entry for this variant (Variation ID: 970917). An algorithm developed to predict the effect of missense changes on protein structure and function (PolyPhen-2) suggests that this variant is likely to be tolerated. In summary, the available evidence is currently insufficient to determine the role of this variant in disease. Therefore, it has been classified as a Variant of Uncertain Significance.

Fulgent Genetics
Classification: Uncertain significance for Dyskeratosis congenita, autosomal recessive 5; Pulmonary fibrosis and/or bone marrow failure, Telomere-related, 3. Last evaluated: 2024-06-21. Review status: criteria provided, single submitter. Criteria: ACMG Guidelines, 2015. Collection method: clinical testing. Allele origin: germline.